The following is an entry in ClinVar:

ClinVar aggregate classification (germline): Pathogenic/Likely pathogenic. Review status: criteria provided, multiple submitters, no conflicts (2 of 4 stars). 6 submissions from 6 submitters: Pathogenic (4); Likely pathogenic (2). Last evaluated 2026-01-15.

Conditions:
SLC12A3-related disorder. Also called: SLC12A3-related condition.
Familial hypokalemia-hypomagnesemia (GTLMNS). Also called: POTASSIUM AND MAGNESIUM DEPLETION; gitelman syndrome; HYPOMAGNESEMIA-HYPOKALEMIA, PRIMARY RENOTUBULAR, WITH HYPOCALCIURIA. Identifiers: Orphanet 358, MedGen C0268450, MONDO:0009904, OMIM 263800.

Submissions (6):

Natera, Inc.
Classification: Likely pathogenic for Gitelman syndrome. Last evaluated: 2026-01-15. Review status: criteria provided, single submitter. Criteria: Natera Variant Classification Schema (03/2026). Collection method: clinical testing. Allele origin: germline.
Comment: The c.2990_2993dupCGCT variant in SLC12A3 is a frameshift variant predicted to elongate the protein beyond the termination codon. This variant is expected to result in nonsense mediated decay, truncation, or a dysfunctional protein product. This variant is rare in the general population with a frequency below the threshold expected for the associated phenotype(s). This variant has been observed in one or more individuals affected with the associated recessive disease, as either homozygous or compound heterozygous with a second variant (PMID: 29204651, 18391953). Given the available evidence, this variant is classified as Likely Pathogenic.

Labcorp Genetics (formerly Invitae), Labcorp
Classification: Pathogenic. Last evaluated: 2024-12-24. Review status: criteria provided, single submitter. Criteria: Invitae Variant Classification Sherloc (09022015). Collection method: clinical testing. Allele origin: germline.
Comment: This sequence change results in a frameshift in the SLC12A3 gene (p.Tyr999Alafs*50). While this is not anticipated to result in nonsense mediated decay, it is expected to disrupt the last 32 amino acid(s) of the SLC12A3 protein and extend the protein by 17 additional amino acid residues. This variant is present in population databases (rs769798104, gnomAD 0.004%). This frameshift has been observed in individuals with Gitelman syndrome (PMID: 18391953, 29204651). This variant is also known as c2293-2294ins(CGCT), L998FS. ClinVar contains an entry for this variant (Variation ID: 946107). This variant disrupts a region of the SLC12A3 protein in which other variant(s) (p.Arg1018*) have been determined to be pathogenic (PMID: 12911530, 26770037, 29942493). This suggests that this is a clinically significant region of the protein, and that variants that disrupt it are likely to be disease-causing. For these reasons, this variant has been classified as Pathogenic.

GeneDx
Classification: Likely pathogenic. Last evaluated: 2024-07-15. Review status: criteria provided, single submitter. Criteria: GeneDx Variant Classification Process June 2021. Collection method: clinical testing. Allele origin: germline. Affected: yes.
Comment: Frameshift variant predicted to result in protein truncation, as the last 32 amino acids are replaced with 49 different amino acids, and other loss-of-function variants have been reported downstream in HGMD; This variant is associated with the following publications: (PMID: 29204651, 18391953)

Fulgent Genetics
Classification: Pathogenic for Familial hypokalemia-hypomagnesemia. Last evaluated: 2024-04-22. Review status: criteria provided, single submitter. Criteria: ACMG Guidelines, 2015. Collection method: clinical testing. Allele origin: germline.

Blueprint Genetics
Classification: Pathogenic for SLC12A3-related disorders. Last evaluated: 2023-08-31. Review status: criteria provided, single submitter. Criteria: ACMG Guidelines, 2015. Collection method: clinical testing. Allele origin: germline. Affected: yes. Observed: 5 variant alleles.

Victorian Clinical Genetics Services, Murdoch Childrens Research Institute
Classification: Pathogenic for Familial hypokalemia-hypomagnesemia. Last evaluated: 2023-07-17. Review status: criteria provided, single submitter. Criteria: ACMG Guidelines, 2015. Collection method: clinical testing. Allele origin: germline. Inheritance: Autosomal recessive inheritance. Affected: yes.
Comment: Based on the classification scheme VCGS_Germline_v1.3.4, this variant is classified as Pathogenic. Following criteria are met: 0102 - Loss of function is a known mechanism of disease in this gene and is associated with Gitelman syndrome (MIM#263800). (I) 0106 - This gene is associated with autosomal recessive disease. (I) 0208 - Variant is predicted to result in an elongated protein. (SP) 0251 - This variant is heterozygous. (I) 0304 - Variant is present in gnomAD (v2) <0.01 for a recessive condition (5 heterozygotes, 0 homozygotes). (SP) 0600 - Variant affects part of the annotated SLC12 domain (DECIPHER). (I) 0704 - Other protein elongation variants comparable to the one identified in this case have limited previous evidence for pathogenicity. One of these variants have been reported as pathogenic with limited clinical information (ClinVar), and another was observed in a compound heterozygous individual with Gitelman syndrome (PMID: 32542819). (SP) 0802 - This variant has moderate previous evidence of pathogenicity in unrelated individuals. This variant has been reported as likely pathogenic and pathogenic (ClinVar), and observed in at least two heterozygous individuals with Gitelman syndrome. Both these individuals had second hits identified, but phasing is unclear (PMID: 23328711, PMID: 29204651). It was also observed in a homozygous individual with Gitelman syndrome (PMID: 18391953). (SP) 0905 - No published segregation evidence has been identified for this variant. (I) 1007 - No published functional evidence has been identified for this variant. (I) 1101 - Very strong and specific phenotype match for this individual. (SP) 1208 - Inheritance information for this variant is not currently available in this individual. (I) Legend: (SP) - Supporting pathogenic, (I) - Information, (SB) - Supporting benign

Literature cited by the submitters: PubMed 29204651 (cited by 3 submitters); PubMed 18391953 (cited by 3 submitters); PubMed 12911530 (cited by Labcorp Genetics (formerly Invitae), Labcorp); PubMed 26770037 (cited by Labcorp Genetics (formerly Invitae), Labcorp); PubMed 29942493 (cited by Labcorp Genetics (formerly Invitae), Labcorp); PubMed 23328711 (cited by Victorian Clinical Genetics Services, Murdoch Childrens Research Institute); PubMed 32542819 (cited by Victorian Clinical Genetics Services, Murdoch Childrens Research Institute).

NM_001126108.2(SLC12A3):c.2963_2966dup (p.Tyr990fs)

Genes: SLC12A3 (solute carrier family 12 member 3; plus strand), LOC126862361 (CDK7 strongly-dependent group 2 enhancer GRCh37_chr16:56946332-56947531; plus strand). Cytogenetic location: 16q13.
Variant type: Duplication.
Coding change: c.2963_2966dup on transcript NM_001126108.2 (MANE Select); coding-DNA positions 2963 to 2966, 4 bases duplicated (CGCT; older notation c.2963_2966dupCGCT).
Protein change: p.Tyr990fs; shifts the reading frame from tyrosine 990.
Molecular consequence: frameshift variant.
Genome position (GRCh38, 1-based): chr16:56,913,302-56,913,305, CGCT duplicated; duplicating any 4 consecutive bases within chr16:56,913,299-56,913,305 gives the same sequence; the c. name uses the placement nearest the transcript's 3' end. VCF-style (leftmost placement, unchanged base first): chr16-56913298-A-AGCTC. GRCh37 (hg19) VCF-style: chr16-56947210-A-AGCTC.
Other names: c.2990_2993dup, p.Tyr999fs (NM_000339.3); c.2987_2990dup, p.Tyr998fs (NM_001126107.2); c.2990_2993dupCGCT (NM_000339.2); c.2963_2966dupCGCT (NM_001126108.1); short protein forms Y990fs, Y998fs, Y999fs.
Identifiers: ClinVar variation 946107 (VCV000946107.15), dbSNP rs769798104, ClinGen allele CA8070173.